The following is an entry in ClinVar:

NM_001012720.2(RGR):c.866G>A (p.Arg289Gln)

Gene: RGR (retinal G protein coupled receptor; plus strand). Cytogenetic location: 10q23.1.
Variant type: single nucleotide variant.
Coding change: c.866G>A on transcript NM_001012720.2 (MANE Select); coding-DNA position 866, G replaced by A.
Protein change: p.Arg289Gln; replaces arginine 289 with glutamine.
Molecular consequence: missense variant.
Genome position (GRCh38, 1-based): chr10:84,258,629, G>A. VCF-style: chr10-84258629-G-A. GRCh37 (hg19) VCF-style: chr10-86018385-G-A.
Other names: c.752G>A, p.Arg251Gln (NM_001012722.2); c.878G>A, p.Arg293Gln (NM_002921.4); short protein forms R289Q, R293Q, R251Q.
Identifiers: ClinVar variation 301322 (VCV000301322.9), dbSNP rs768395760, ClinGen allele CA5581608.

ClinVar aggregate classification (germline): Uncertain significance. Review status: criteria provided, multiple submitters, no conflicts (2 of 4 stars). 2 submissions from 2 submitters: Uncertain significance (2). Last evaluated 2022-10-26.

Conditions:
Retinitis pigmentosa (RP). Identifiers: Orphanet 791, MedGen C0035334, MeSH D012174, MONDO:0019200, OMIM 268000. Inheritance: Autosomal dominant, autosomal recessive and X linked inheritance.

Allele frequency attached by ClinVar (database versions not stated): TOPMed below 0.00001; gnomAD exomes 0.00001 and 0.00002; ExAC 0.00002.
gnomAD v4.1: 10 of 1,614,134 alleles (0.00062%); highest among the groups gnomAD compares: East Asian, 0.0045%; no homozygotes.

Submissions (2):

Labcorp Genetics (formerly Invitae), Labcorp
Classification: Uncertain significance. Last evaluated: 2022-10-26. Review status: criteria provided, single submitter. Criteria: Invitae Variant Classification Sherloc (09022015). Collection method: clinical testing. Allele origin: germline.
Comment: This sequence change replaces arginine, which is basic and polar, with glutamine, which is neutral and polar, at codon 289 of the RGR protein (p.Arg289Gln). This variant is present in population databases (rs768395760, gnomAD 0.006%). This variant has not been reported in the literature in individuals affected with RGR-related conditions. ClinVar contains an entry for this variant (Variation ID: 301322). Algorithms developed to predict the effect of missense changes on protein structure and function output the following: SIFT: "Tolerated"; PolyPhen-2: "Not Available"; Align-GVGD: "Class C0". The glutamine amino acid residue is found in multiple mammalian species, which suggests that this missense change does not adversely affect protein function. In summary, the available evidence is currently insufficient to determine the role of this variant in disease. Therefore, it has been classified as a Variant of Uncertain Significance.

Illumina Laboratory Services, Illumina
Classification: Uncertain significance for Retinitis pigmentosa. Last evaluated: 2018-01-13. Review status: criteria provided, single submitter. Criteria: ICSL Variant Classification Criteria 13 December 2019. Collection method: clinical testing. Allele origin: germline.